The following is an entry in ClinVar:

NM_000111.3(SLC26A3):c.590G>A (p.Arg197Gln)

Gene: SLC26A3 (solute carrier family 26 member 3; minus strand). Cytogenetic location: 7q22.3.
Variant type: single nucleotide variant.
Coding change: c.590G>A on transcript NM_000111.3 (MANE Select); coding-DNA position 590, G replaced by A.
Protein change: p.Arg197Gln; replaces arginine 197 with glutamine.
Molecular consequence: missense variant.
Genome position (GRCh38, 1-based): chr7:107,789,669, C>T on the plus strand (G>A on the coding strand, the complement: SLC26A3 is on the minus strand). VCF-style: chr7-107789669-C-T. GRCh37 (hg19) VCF-style: chr7-107430114-C-T.
Other names: short protein forms R197Q.
Identifiers: ClinVar variation 358554 (VCV000358554.16), dbSNP rs201844799, ClinGen allele CA4434074.

ClinVar aggregate classification (germline): Benign/Likely benign. Review status: criteria provided, multiple submitters, no conflicts (2 of 4 stars). 4 submissions from 4 submitters: Benign (1); Likely benign (3). Last evaluated 2025-11-24.

Conditions:
Congenital secretory diarrhea, chloride type (DIAR1). Also called: DIARRHEA 1, SECRETORY CHLORIDE, CONGENITAL; CHLORIDORRHEA, CONGENITAL; CHLORIDE DIARRHEA, CONGENITAL, FINNISH TYPE. Identifiers: Orphanet 53689, MedGen C0267662, MONDO:0008964, OMIM 214700.
Inborn genetic diseases. Identifiers: MedGen C0950123, MeSH D030342.

Allele frequency attached by ClinVar (database versions not stated): gnomAD exomes 0.00015 and 0.00046; gnomAD 0.00017 and 0.00024; 1000 Genomes Project 30x 0.00031; TOPMed 0.00032; 1000 Genomes Project 0.00040; ExAC 0.00058; ESP Exome Variant Server 0.00008.

Submissions (4):

Labcorp Genetics (formerly Invitae), Labcorp
Classification: Benign. Last evaluated: 2025-11-24. Review status: criteria provided, single submitter. Criteria: Invitae Variant Classification Sherloc (09022015). Collection method: clinical testing. Allele origin: germline.

Ambry Genetics
Classification: Likely benign for Inborn genetic diseases. Last evaluated: 2023-05-10. Review status: criteria provided, single submitter. Criteria: Ambry Variant Classification Scheme 2023. Collection method: clinical testing. Allele origin: germline.

Illumina Laboratory Services, Illumina
Classification: Likely benign for Congenital secretory diarrhea, chloride type. Last evaluated: 2018-01-12. Review status: criteria provided, single submitter. Criteria: ICSL Variant Classification Criteria 13 December 2019. Collection method: clinical testing. Allele origin: germline.
Comment: This variant was observed in the ICSL laboratory as part of a predisposition screen in an ostensibly healthy population. It had not been previously curated by ICSL or reported in the Human Gene Mutation Database (HGMD: prior to June 1st, 2018), and was therefore a candidate for classification through an automated scoring system. Utilizing variant allele frequency, disease prevalence and penetrance estimates, and inheritance mode, an automated score was calculated to assess if this variant is too frequent to cause the disease. Based on the score and internal cut-off values, a variant classified as likely benign is not then subjected to further curation. The score for this variant resulted in a classification of likely benign for this disease.

Breakthrough Genomics
Classification: Likely benign. Review status: criteria provided, single submitter. Criteria: ACMG Guidelines, 2015. Collection method: not provided. Allele origin: germline. Inheritance: Autosomal recessive inheritance. Affected: yes.